The following is an entry in ClinVar:

ClinVar aggregate classification (germline): Uncertain significance. Review status: criteria provided, multiple submitters, no conflicts (2 of 4 stars). 2 submissions from 2 submitters: Uncertain significance (2). Last evaluated 2021-08-08.

Allele frequency attached by ClinVar (database versions not stated): gnomAD 0.00001; TOPMed 0.00001; 1000 Genomes Project 0.00020; 1000 Genomes Project 30x 0.00031.
gnomAD v4.1: 58 of 1,612,604 alleles (0.0036%); highest among the groups gnomAD compares: Non-Finnish European, 0.0047%; no homozygotes.

Submissions (2):

Labcorp Genetics (formerly Invitae), Labcorp
Classification: Uncertain significance. Last evaluated: 2021-08-08. Review status: criteria provided, single submitter. Criteria: Invitae Variant Classification Sherloc (09022015). Collection method: clinical testing. Allele origin: germline.
Comment: In summary, the available evidence is currently insufficient to determine the role of this variant in disease. Therefore, it has been classified as a Variant of Uncertain Significance. Algorithms developed to predict the effect of sequence changes on RNA splicing suggest that this variant may create or strengthen a splice site. This variant has not been reported in the literature in individuals affected with HERC1-related conditions. This variant is present in population databases (rs56318707, ExAC 0.02%). This sequence change affects codon 3263 of the HERC1 mRNA. It is a 'silent' change, meaning that it does not change the encoded amino acid sequence of the HERC1 protein.

Breakthrough Genomics
Classification: Uncertain significance. Review status: criteria provided, single submitter. Criteria: ACMG Guidelines, 2015. Collection method: not provided. Allele origin: germline. Inheritance: Autosomal recessive inheritance. Affected: yes.

NM_003922.4(HERC1):c.9789G>A (p.Leu3263=)

Gene: HERC1 (HECT and RLD domain containing E3 ubiquitin protein ligase family member 1; minus strand). Cytogenetic location: 15q22.31.
Variant type: single nucleotide variant.
Coding change: c.9789G>A on transcript NM_003922.4 (MANE Select); coding-DNA position 9789, G replaced by A.
Protein change: p.Leu3263=; no amino-acid change (leucine 3263 retained).
Molecular consequence: synonymous variant.
Genome position (GRCh38, 1-based): chr15:63,656,169, C>T on the plus strand (G>A on the coding strand, the complement: HERC1 is on the minus strand). VCF-style: chr15-63656169-C-T. GRCh37 (hg19) VCF-style: chr15-63948368-C-T.
Identifiers: ClinVar variation 1494486 (VCV001494486.7), dbSNP rs56318707, ClinGen allele CA7604624.
Genomic context (GRCh38, chr15:63,656,169, plus strand): 5'-CAGTTTGGCAGCACTAGGAGCATTTGATGCCAGACATCCCACTGCTGTGCTCAAATAGGC[C>T]AGGCAAGAGATAGGCTTGTTAGCCTTGCTATGCCCACCTCGTGATCGTTCTGAGGTGCTA-3'
Protein context (NP_003913.3, residues 3253-3273): HSKANKPISC[Leu3263=]AYLSTAVGCL